The following is an entry in ClinVar:

NM_000393.5(COL5A2):c.3391G>A (p.Gly1131Ser)

Gene: COL5A2 (collagen type V alpha 2 chain; minus strand). Cytogenetic location: 2q32.2.
Variant type: single nucleotide variant.
Coding change: c.3391G>A on transcript NM_000393.5 (MANE Select); coding-DNA position 3391, G replaced by A.
Protein change: p.Gly1131Ser; replaces glycine 1131 with serine.
Molecular consequence: missense variant.
Genome position (GRCh38, 1-based): chr2:189,043,231, C>T on the plus strand (G>A on the coding strand, the complement: COL5A2 is on the minus strand). VCF-style: chr2-189043231-C-T. GRCh37 (hg19) VCF-style: chr2-189907957-C-T.
Other names: p.G1131S:GGT>AGT; short protein forms G1131S.
Identifiers: ClinVar variation 213118 (VCV000213118.10), dbSNP rs747946828, ClinGen allele CA325060.

ClinVar aggregate classification (germline): Conflicting classifications of pathogenicity. Review status: criteria provided, conflicting classifications (1 of 4 stars). 3 submissions from 3 submitters: Likely pathogenic (2); Uncertain significance (1). Last evaluated 2021-07-31.

Conditions:
Ehlers-Danlos syndrome, classic type, 1 (EDSCL1). Also called: Ehlers-Danlos Syndrome, Classic Type, COL5A1-Related; EHLERS-DANLOS SYNDROME, GRAVIS TYPE; EHLERS-DANLOS SYNDROME, SEVERE CLASSIC TYPE; Ehlers-Danlos syndrome, type 1; EDS I. Identifiers: MedGen C0268335, MONDO:0019567, OMIM 130000.
Ehlers-Danlos syndrome, classic type, 2 (EDSCL2). Also called: Ehlers-Danlos Syndrome, Classic Type, COL5A2-Related; Ehlers-Danlos syndrome type 2 (formerly); Ehlers-Danlos syndrome, type 2. Identifiers: Orphanet 287, Orphanet 90318, MedGen C0268336, MONDO:0019568, OMIM 130010.

Submissions (3):

Labcorp Genetics (formerly Invitae), Labcorp
Classification: Uncertain significance for Ehlers-Danlos syndrome, classic type, 1. Last evaluated: 2021-07-31. Review status: criteria provided, single submitter. Criteria: Invitae Variant Classification Sherloc (09022015). Collection method: clinical testing. Allele origin: germline.
Comment: This variant has not been reported in the literature in individuals affected with COL5A2-related conditions. ClinVar contains an entry for this variant (Variation ID: 213118). Algorithms developed to predict the effect of missense changes on protein structure and function (SIFT, PolyPhen-2, Align-GVGD) all suggest that this variant is likely to be disruptive. In summary, the available evidence is currently insufficient to determine the role of this variant in disease. Therefore, it has been classified as a Variant of Uncertain Significance. This variant is not present in population databases (ExAC no frequency). This sequence change replaces glycine with serine at codon 1131 of the COL5A2 protein (p.Gly1131Ser). The glycine residue is highly conserved and there is a small physicochemical difference between glycine and serine.

GeneDx
Classification: Likely pathogenic. Last evaluated: 2014-08-20. Review status: criteria provided, single submitter. Criteria: GeneDx Variant Classification (06012015). Collection method: clinical testing. Allele origin: germline. Affected: yes.
Comment: TAAD is a genetically heterogeneous disorder characterized by aortic dilatation, aneurysms, dissections and/or aneurysms of other major arteries. Approximately 4% of patients with autosomal dominant Ehlers-Danlos syndrome, classic type, have been reported to have a mutation in the COL5A2 gene (Malfait F et al., 2011).p.Gly1131Ser (GGT>AGT): c.3391 G>A in exon 48 of the COL5A2 gene (NM_000393.3). A G1131S variant that is likely pathogenic was identified in the COL5A2 gene. It has not been published as a mutation, nor has it been reported as a benign polymorphism to our knowledge. The G1131S variant was not observed in approximately 6,500 individuals of European and African American ancestry in the NHLBI Exome Sequencing Project, indicating it is not a common benign variant in these populations. The G1131S variant is a non-conservative amino acid substitution, which is likely to impact secondary protein structure as these residues differ in polarity, charge, size and/or other properties. Additionally, this substitution occurs at a position that is conserved across species and in silico analysis predicts this variant is probably damaging to the protein structure/function. Furthermore, other mutations affecting Glycine residues (G645R, G1146A, G1149R) have been reported in association with Ehlers-Danlos syndrome. Therefore, this variant is a strong candidate for a pathogenic mutation, however the possibility that it is a benign variant cannot be excluded. This variant was found in TAAD.

Institute of Human Genetics, University Hospital of Duesseldorf
Classification: Likely pathogenic for Ehlers-Danlos syndrome, classic type, 2. Review status: criteria provided, single submitter. Criteria: ACMG Guidelines, 2015. Collection method: not provided. Allele origin: germline. Inheritance: Autosomal dominant inheritance. Affected: yes.